The following is an entry in ClinVar:

ClinVar aggregate classification (germline): Likely benign (1 of 4 stars; one submission).

Allele frequency attached by ClinVar (database versions not stated): TOPMed 0.00009; gnomAD 0.00010; 1000 Genomes Project 0.00020; gnomAD exomes 0.00047; 1000 Genomes Project 30x 0.00062.
gnomAD v4.1: 133 of 383,318 alleles (0.035%); highest among the groups gnomAD compares: Middle Eastern, 0.28%; no homozygotes.

Submission:

GeneDx
Classification: Likely benign. Last evaluated: 2017-12-15. Review status: criteria provided, single submitter. Criteria: GeneDx Variant Classification (06012015). Collection method: clinical testing. Allele origin: germline. Affected: yes.
Comment: This variant is considered likely benign or benign based on one or more of the following criteria: it is a conservative change, it occurs at a poorly conserved position in the protein, it is predicted to be benign by multiple in silico algorithms, and/or has population frequency not consistent with disease.

NM_001605.3(AARS1):c.-22+8G>A

Gene: AARS1 (alanyl-tRNA synthetase 1; minus strand). Cytogenetic location: 16q22.1.
Variant type: single nucleotide variant.
Coding change: c.-22+8G>A on transcript NM_001605.3 (MANE Select); 8 bases into the intron after 22 bases upstream of the start codon, G replaced by A.
Molecular consequence: intron variant.
Genome position (GRCh38, 1-based): chr16:70,289,413, C>T on the plus strand (G>A on the coding strand, the complement: AARS1 is on the minus strand). VCF-style: chr16-70289413-C-T. GRCh37 (hg19) VCF-style: chr16-70323316-C-T.
Identifiers: ClinVar variation 513796 (VCV000513796.1), dbSNP rs541210638, ClinGen allele CA283430105.